The following is an entry in ClinVar:

NM_001384125.1(BLTP1):c.12553T>A (p.Ser4185Thr)

Gene: BLTP1 (bridge-like lipid transfer protein family member 1; plus strand). Cytogenetic location: 4q27.
Variant type: single nucleotide variant.
Coding change: c.12553T>A on transcript NM_001384125.1 (MANE Select); coding-DNA position 12553, T replaced by A.
Protein change: p.Ser4185Thr; replaces serine 4185 with threonine.
Molecular consequence: missense variant.
Genome position (GRCh38, 1-based): chr4:122,339,345, T>A. VCF-style: chr4-122339345-T-A. GRCh37 (hg19) VCF-style: chr4-123260500-T-A.
Other names: c.12289T>A, p.Ser4097Thr (NM_015312.4); short protein forms S4097T, S4185T.
Identifiers: ClinVar variation 3341526 (VCV003341526.16).

ClinVar aggregate classification (germline): Uncertain significance (1 of 4 stars; one submission).

gnomAD v4.1: 3 of 1,613,398 alleles (0.00019%); highest among the groups gnomAD compares: Middle Eastern, 0.017%; no homozygotes.

Submission:

CeGaT Center for Human Genetics Tuebingen
Classification: Uncertain significance. Last evaluated: 2024-08-01. Review status: criteria provided, single submitter. Criteria: CeGaT Center For Human Genetics Tuebingen Variant Classification Criteria Version 2. Collection method: clinical testing. Allele origin: germline. Affected: yes. Observed: 1 variant allele.
Comment: BLTP1: PM2, BP4